The following is an entry in ClinVar:

ClinVar aggregate classification (germline): Conflicting classifications of pathogenicity. Review status: criteria provided, conflicting classifications (1 of 4 stars). 2 submissions from 2 submitters: Uncertain significance (1); Benign (1). Last evaluated 2025-10-08.

Conditions:
RAI1-related disorder. Also called: RAI1-related condition.

Allele frequency attached by ClinVar (database versions not stated): TOPMed below 0.00001; ExAC 0.00001; gnomAD 0.00002; ESP Exome Variant Server 0.00008.

Submissions (2):

PreventionGenetics, part of Exact Sciences
Classification: Uncertain significance for RAI1-related condition. Last evaluated: 2025-10-08. Review status: criteria provided, single submitter. Criteria: ACMG Guidelines, 2015. Collection method: clinical testing. Allele origin: germline.
Comment: The RAI1 c.4582C>T variant is predicted to result in the amino acid substitution p.His1528Tyr. To our knowledge, this variant has not been reported in the literature. This variant is reported in 0.0062% of alleles in individuals of African descent in gnomAD. At this time, the clinical significance of this variant is uncertain due to the absence of conclusive functional and genetic evidence.

Labcorp Genetics (formerly Invitae), Labcorp
Classification: Benign. Last evaluated: 2024-10-24. Review status: criteria provided, single submitter. Criteria: Invitae Variant Classification Sherloc (09022015). Collection method: clinical testing. Allele origin: germline.

NM_030665.4(RAI1):c.4582C>T (p.His1528Tyr)

Gene: RAI1 (retinoic acid induced 1; plus strand). Cytogenetic location: 17p11.2.
Variant type: single nucleotide variant.
Coding change: c.4582C>T on transcript NM_030665.4 (MANE Select); coding-DNA position 4582, C replaced by T.
Protein change: p.His1528Tyr; replaces histidine 1528 with tyrosine.
Molecular consequence: missense variant.
Genome position (GRCh38, 1-based): chr17:17,797,530, C>T. VCF-style: chr17-17797530-C-T. GRCh37 (hg19) VCF-style: chr17-17700844-C-T.
Other names: c.4582C>T (NM_030665.3); short protein forms H1528Y.
Identifiers: ClinVar variation 1445886 (VCV001445886.9), dbSNP rs150165415, ClinGen allele CA8418986.
Genomic context (GRCh38, chr17:17,797,530, plus strand): 5'-TCCCAGCCCCCGGAGGGCAGGCCCTGCCAGCCCCAGACAAGGGCACAGAAACAGCCAGGC[C>T]ACACCAACTACAGCAGCTATTCCAAGCGGAAGCGCCTCACTCGGGGCCGGGCCAAGAACA-3'
Protein context (NP_109590.3, residues 1518-1538): PQTRAQKQPG[His1528Tyr]TNYSSYSKRK